The following is an entry in ClinVar:

ClinVar aggregate classification (germline): Uncertain significance (1 of 4 stars; one submission).

Submission:

Labcorp Genetics (formerly Invitae), Labcorp
Classification: Uncertain significance. Last evaluated: 2022-08-07. Review status: criteria provided, single submitter. Criteria: Invitae Variant Classification Sherloc (09022015). Collection method: clinical testing. Allele origin: germline.
Comment: This sequence change replaces cysteine, which is neutral and slightly polar, with tyrosine, which is neutral and polar, at codon 25 of the ATOH7 protein (p.Cys25Tyr). In summary, the available evidence is currently insufficient to determine the role of this variant in disease. Therefore, it has been classified as a Variant of Uncertain Significance. Algorithms developed to predict the effect of missense changes on protein structure and function (SIFT, PolyPhen-2, Align-GVGD) all suggest that this variant is likely to be tolerated. This variant has not been reported in the literature in individuals affected with ATOH7-related conditions. This variant is not present in population databases (gnomAD no frequency).

NM_145178.4(ATOH7):c.74G>A (p.Cys25Tyr)

Genes: ATOH7 (atonal bHLH transcription factor 7; minus strand), LOC130003943 (ATAC-STARR-seq lymphoblastoid silent region 2418; plus strand). Cytogenetic location: 10q21.3.
Variant type: single nucleotide variant.
Coding change: c.74G>A on transcript NM_145178.4 (MANE Select); coding-DNA position 74, G replaced by A.
Protein change: p.Cys25Tyr; replaces cysteine 25 with tyrosine.
Molecular consequence: missense variant.
Genome position (GRCh38, 1-based): chr10:68,231,604, C>T on the plus strand (G>A on the coding strand, the complement: ATOH7 is on the minus strand). VCF-style: chr10-68231604-C-T. GRCh37 (hg19) VCF-style: chr10-69991361-C-T.
Other names: short protein forms C25Y.
Identifiers: ClinVar variation 1715464 (VCV001715464.6), dbSNP rs2134380795, ClinGen allele CA376837617.